The following is an entry in ClinVar:

ClinVar aggregate classification (germline): Conflicting classifications of pathogenicity. Review status: criteria provided, conflicting classifications (1 of 4 stars). 3 submissions from 3 submitters: Uncertain significance (1); Likely benign (1). 1 of the submissions does not count toward it. Last evaluated 2026-08-06.

Conditions:
Rubinstein-Taybi syndrome (RSTS). Identifiers: Orphanet 783, MedGen C0035934, MONDO:0019188.
Rubinstein-Taybi syndrome due to CREBBP mutations (RSTS1). Also called: BROAD THUMBS AND GREAT TOES, CHARACTERISTIC FACIES, AND IMPAIRED INTELLECTUAL DEVELOPMENT; RUBINSTEIN-TAYBI SYNDROME 1, INCOMPLETE; BROAD THUMB-HALLUX SYNDROME; RUBINSTEIN SYNDROME; CREBBP-Related Rubinstein-Taybi Syndrome; Rubinstein-Taybi syndrome 1. Identifiers: Orphanet 353277, Orphanet 783, MedGen C4551859, MONDO:0008393, OMIM 180849.

Allele frequency attached by ClinVar (database versions not stated): gnomAD 0.00003.
gnomAD v4.1: 16 of 1,613,972 alleles (0.00099%); highest among the groups gnomAD compares: Admixed American, 0.0017%; no homozygotes.

Submissions (3):

OLLIN Analises Genomicas, OLLIN
Classification: Uncertain significance for Rubinstein-Taybi syndrome due to CREBBP mutations. Last evaluated: 2026-08-06. Review status: criteria provided, single submitter. Criteria: ACMG Guidelines 2015 PMID 25741868. Collection method: clinical testing. Allele origin: germline. Inheritance: Autosomal dominant inheritance.
Comment: This missense variant, located in exon 2 (of 31), has been reported in ClinVar (accession VCV000546767.48) and in gnomAD with an allele frequency of 0.00099%. However, to our knowledge, it has not been reported in the scientific literature. In silico analysis is inconclusive regarding the impact of this variant. This gene is constrained for missense variation. According to the currently available evidence, this variant has been classified as uncertain significance (PM2_P, PP2).

Labcorp Genetics (formerly Invitae), Labcorp
Classification: Likely benign for Rubinstein-Taybi syndrome. Last evaluated: 2025-06-12. Review status: criteria provided, single submitter. Criteria: Invitae Variant Classification Sherloc (09022015). Collection method: clinical testing. Allele origin: germline.

ITMI
No classification provided. Condition: AllHighlyPenetrant. Last evaluated: 2013-09-19. Review status: no classification provided. Collection method: reference population. Allele origin: germline. Not counted in ClinVar's aggregate classification.
Comment: Please see associated publication for description of ethnicities

Literature cited by the submitters: PubMed 24728327 (cited by ITMI).

NM_004380.3(CREBBP):c.271G>A (p.Ala91Thr)

Gene: CREBBP (CREB binding lysine acetyltransferase; minus strand). Cytogenetic location: 16p13.3.
Variant type: single nucleotide variant.
Coding change: c.271G>A on transcript NM_004380.3 (MANE Select); coding-DNA position 271, G replaced by A.
Protein change: p.Ala91Thr; replaces alanine 91 with threonine.
Molecular consequence: missense variant.
Genome position (GRCh38, 1-based): chr16:3,850,824, C>T on the plus strand (G>A on the coding strand, the complement: CREBBP is on the minus strand). VCF-style: chr16-3850824-C-T. GRCh37 (hg19) VCF-style: chr16-3900825-C-T.
Other names: c.271G>A, p.Ala91Thr (NM_001079846.1); short protein forms A91T.
Identifiers: ClinVar variation 133931 (VCV000133931.5), dbSNP rs200673670, ClinGen allele CA158182.
Genomic context (GRCh38, chr16:3,850,824, plus strand): 5'-TAGCACTGTTCGGCTGCCCTTGAGCCTGGCCACCCAGGCCCTGCTGCACGGGGCTGCTGG[C>T]GCTCACATTTCCTATTCCTGGGTTGATACTAGAGCCGCTGCCTCCTCGTAGAAGCTCCGA-3'
Protein context (NP_004371.2, residues 81-101): SINPGIGNVS[Ala91Thr]SSPVQQGLGG